The following is an entry in ClinVar:

NM_016151.4(TAOK2):c.3516G>C (p.Leu1172Phe)

Gene: TAOK2 (TAO kinase 2; plus strand). Cytogenetic location: 16p11.2.
Variant type: single nucleotide variant.
Coding change: c.3516G>C on transcript NM_016151.4 (MANE Select); coding-DNA position 3516, G replaced by C.
Protein change: p.Leu1172Phe; replaces leucine 1172 with phenylalanine.
Molecular consequence: missense variant. On other transcripts: intron variant (1).
Genome position (GRCh38, 1-based): chr16:29,987,788, G>C. VCF-style: chr16-29987788-G-C. GRCh37 (hg19) VCF-style: chr16-29999109-G-C.
Other names: c.3177G>C, p.Leu1059Phe (NM_001252043.2); c.2232+1284G>C (NM_004783.4); short protein forms L1059F, L1172F.
Identifiers: ClinVar variation 4693233 (VCV004693233.1).
Genomic context (GRCh38, chr16:29,987,788, plus strand): 5'-CCTGTGCAAGGGCTGGAACTGGCGTCTGGCACGGGCCAGCCAGGGTTTAGCATCCCACTT[G>C]CCCCCGTGGGCCATCCACACACTGGCCAGCTGGGGCCTGCTTCGGGGTGAACGGCCCACC-3'
Protein context (NP_057235.2, residues 1162-1182): ARASQGLASH[Leu1172Phe]PPWAIHTLAS

ClinVar aggregate classification (germline): Uncertain significance (1 of 4 stars; one submission).

Submission:

Labcorp Genetics (formerly Invitae), Labcorp
Classification: Uncertain significance. Last evaluated: 2025-09-04. Review status: criteria provided, single submitter. Criteria: Invitae Variant Classification Sherloc (09022015). Collection method: clinical testing. Allele origin: germline.
Comment: This sequence change replaces leucine, which is neutral and non-polar, with phenylalanine, which is neutral and non-polar, at codon 1172 of the TAOK2 protein (p.Leu1172Phe). This variant is not present in population databases (gnomAD no frequency). This variant has not been reported in the literature in individuals affected with TAOK2-related conditions. An algorithm developed to predict the effect of missense changes on protein structure and function (PolyPhen-2) suggests that this variant is likely to be tolerated. In summary, the available evidence is currently insufficient to determine the role of this variant in disease. Therefore, it has been classified as a Variant of Uncertain Significance.